The following is an entry in ClinVar:

NM_003119.4(SPG7):c.1553-2_1553-1del

Gene: SPG7 (SPG7 matrix AAA peptidase subunit, paraplegin; plus strand). Cytogenetic location: 16q24.3.
Variant type: Deletion.
Coding change: c.1553-2_1553-1del on transcript NM_003119.4 (MANE Select); the canonical splice acceptor site of the intron before coding-DNA position 1553, 2 bases deleted (AG; older notation c.1553-2_1553-1delAG).
Molecular consequence: splice acceptor variant.
Genome position (GRCh38, 1-based): chr16:89,548,001-89,548,002, AG deleted. VCF-style (leftmost placement, unchanged base first): chr16-89548000-CAG-C. GRCh37 (hg19) VCF-style: chr16-89614408-CAG-C.
Other names: c.1553-2_1553-1del (NM_001363850.1).
Identifiers: ClinVar variation 424414 (VCV000424414.13), dbSNP rs772828460, ClinGen allele CA8244263.
Genomic context (GRCh38, chr16:89,548,000, plus strand): 5'-CCTCCTCTTAAGCCCTGATAGCAGAAACCCACCCACCCACACCGTGGCTGTTTGTGTTGA[CAG>C]GGGCTGACATCGCCAACATCTGCAATGAGGCTGCGCTGCACGCGGCGCGGGAGGGACACA-3'

ClinVar aggregate classification (germline): Pathogenic/Likely pathogenic. Review status: criteria provided, multiple submitters, no conflicts (2 of 4 stars). 8 submissions from 8 submitters: Pathogenic (3); Likely pathogenic (4). 1 of the submissions does not count toward it. Last evaluated 2024-10-17.

Conditions:
Hereditary spastic paraplegia 7 (SPG7). Also called: Spastic paraplegia 7; Hereditary spastic paraplegia Paraplegin type; SPASTIC PARAPLEGIA 7, AUTOSOMAL RECESSIVE, WITH OR WITHOUT CEREBELLAR ATAXIA; SPG7-related neurologic disorder; Autosomal recessive spastic paraplegia type 7. Identifiers: Orphanet 99013, MedGen C1846564, MONDO:0011803, OMIM 607259.
SPG7-related disorder. Also called: SPG7-related condition.

Allele frequency attached by ClinVar (database versions not stated): gnomAD exomes 0.00001 and 0.00002; ExAC 0.00003; gnomAD 0.00003; TOPMed 0.00003; ESP Exome Variant Server 0.00008.

Submissions (8):

Blueprint Genetics
Classification: Likely pathogenic for SPG7-related disorders. Last evaluated: 2024-10-17. Review status: criteria provided, single submitter. Criteria: ACMG Guidelines, 2015. Collection method: clinical testing. Allele origin: germline. Affected: yes. Observed: 2 variant alleles.

3billion
Classification: Pathogenic for Hereditary spastic paraplegia 7. Last evaluated: 2024-09-24. Review status: criteria provided, single submitter. Criteria: ACMG Guidelines, 2015. Collection method: clinical testing. Allele origin: germline. Affected: yes.
Comment: The variant is observed at an extremely low frequency in the gnomAD v4.0.0 dataset (total allele frequency: 0.001%). Predicted Consequence/Location: Canonical splice site: predicted to alter splicing and result in a loss or disruption of normal protein function. Multiple pathogenic loss-of-function variants are reported downstream of the variant. In silico tools predict the variant to alter splicing and produce an abnormal transcript [SpliceAI: 0.99 (spliceogenicity >=0.2, non-spliceogenicity <0.1)]. The variant has been reported at least twice as pathogenic with clinical assertions and evidence for the classification (ClinVar ID: VCV000424414 /PMID: 30098094). Therefore, this variant is classified as Pathogenic according to the recommendation of ACMG/AMP guideline.

Fulgent Genetics
Classification: Likely pathogenic for Hereditary spastic paraplegia 7. Last evaluated: 2024-01-11. Review status: criteria provided, single submitter. Criteria: ACMG Guidelines, 2015. Collection method: clinical testing. Allele origin: germline.

PROSPAX: an integrated multimodal progression  chart in spastic ataxias, Center for Neurology; Hertie-Institute for Clinical Brain Research
Classification: Pathogenic for Hereditary spastic paraplegia 7. Last evaluated: 2022-01-01. Review status: criteria provided, single submitter. Criteria: ACMG Guidelines, 2015. Collection method: research. Allele origin: germline. Affected: yes. Observed: 1 variant allele, 1 compound heterozygote.

Institute of Medical Genetics and Applied Genomics, University Hospital Tübingen
Classification: Likely pathogenic. Last evaluated: 2020-10-23. Review status: criteria provided, single submitter. Criteria: ACMG Guidelines, 2015. Collection method: clinical testing. Allele origin: germline. Inheritance: Autosomal unknown. Affected: yes.

GeneDx
Classification: Likely pathogenic. Last evaluated: 2019-09-03. Review status: criteria provided, single submitter. Criteria: GeneDx Variant Classification Process June 2021. Collection method: clinical testing. Allele origin: germline. Affected: yes.
Comment: Observed with a pathogenic variant in a patient with adult-onset cerebellar ataxia in published literature, but it is not known whether the variants occurred on the same (in cis) or on different (in trans) chromosomes (Mancini et al., 2018); Canonical splice site variant expected to result in aberrant splicing. In the absence of RNA/functional studies, the actual effect of this sequence change is unknown.; This variant is associated with the following publications: (PMID: 30098094, 31589614)

Paris Brain Institute, Inserm - ICM
Classification: Pathogenic for Hereditary spastic paraplegia 7. Review status: criteria provided, single submitter. Criteria: ACMG Guidelines, 2015. Collection method: clinical testing. Allele origin: unknown. Affected: yes. Observed: 3 variant alleles.

Solve-RD Consortium
Classification: Likely pathogenic for Hereditary spastic paraplegia 7. Last evaluated: 2022-06-01. Review status: no assertion criteria provided. Collection method: provider interpretation. Allele origin: inherited. Affected: yes. Not counted in ClinVar's aggregate classification.
Comment: Variant confirmed as disease-causing by referring clinical team

Variant identified during reanalysis of unsolved cases by the Solve-RD project. The Solve-RD project has received funding from the European Union’s Horizon 2020 research and innovation programme under grant agreement No 779257.

Literature cited by the submitters: PubMed 30098094 (cited by 3billion); PubMed 39825153 (cited by Solve-RD Consortium).